The following is an entry in ClinVar:

ClinVar aggregate classification (germline): Uncertain significance (1 of 4 stars; one submission).

Allele frequency attached by ClinVar (database versions not stated): gnomAD exomes below 0.00001; gnomAD 0.00001; TOPMed 0.00001.
gnomAD v4.1: 8 of 1,613,954 alleles (0.0005%); highest among the groups gnomAD compares: Non-Finnish European, 0.00068%; no homozygotes.

Submission:

Labcorp Genetics (formerly Invitae), Labcorp
Classification: Uncertain significance. Last evaluated: 2024-09-05. Review status: criteria provided, single submitter. Criteria: Invitae Variant Classification Sherloc (09022015). Collection method: clinical testing. Allele origin: germline.
Comment: This sequence change replaces serine, which is neutral and polar, with glycine, which is neutral and non-polar, at codon 581 of the SNRNP200 protein (p.Ser581Gly). This variant is not present in population databases (gnomAD no frequency). This variant has not been reported in the literature in individuals affected with SNRNP200-related conditions. ClinVar contains an entry for this variant (Variation ID: 841663). Invitae Evidence Modeling of protein sequence and biophysical properties (such as structural, functional, and spatial information, amino acid conservation, physicochemical variation, residue mobility, and thermodynamic stability) indicates that this missense variant is not expected to disrupt SNRNP200 protein function with a negative predictive value of 80%. In summary, the available evidence is currently insufficient to determine the role of this variant in disease. Therefore, it has been classified as a Variant of Uncertain Significance.

NM_014014.5(SNRNP200):c.1741A>G (p.Ser581Gly)

Gene: SNRNP200 (small nuclear ribonucleoprotein U5 subunit 200; minus strand). Cytogenetic location: 2q11.2.
Variant type: single nucleotide variant.
Coding change: c.1741A>G on transcript NM_014014.5 (MANE Select); coding-DNA position 1741, A replaced by G.
Protein change: p.Ser581Gly; replaces serine 581 with glycine.
Molecular consequence: missense variant.
Genome position (GRCh38, 1-based): chr2:96,295,589, T>C on the plus strand (A>G on the coding strand, the complement: SNRNP200 is on the minus strand). VCF-style: chr2-96295589-T-C. GRCh37 (hg19) VCF-style: chr2-96961327-T-C.
Other names: short protein forms S581G.
Identifiers: ClinVar variation 841663 (VCV000841663.9), dbSNP rs2063911938, ClinGen allele CA347680971.